The following is an entry in ClinVar:

NM_000888.5(ITGB6):c.396G>A (p.Pro132=)

Gene: ITGB6 (integrin subunit beta 6; minus strand). Cytogenetic location: 2q24.2.
Variant type: single nucleotide variant.
Coding change: c.396G>A on transcript NM_000888.5 (MANE Select); coding-DNA position 396, G replaced by A.
Protein change: p.Pro132=; no amino-acid change (proline 132 retained).
Molecular consequence: synonymous variant. On other transcripts: 5 prime UTR variant (1).
Genome position (GRCh38, 1-based): chr2:160,195,566, C>T on the plus strand (G>A on the coding strand, the complement: ITGB6 is on the minus strand). VCF-style: chr2-160195566-C-T. GRCh37 (hg19) VCF-style: chr2-161052077-C-T.
Other names: c.396G>A, p.Pro132= (NM_001282353.2, NM_001282355.2); c.111G>A, p.Pro37= (NM_001282354.2); c.270G>A, p.Pro90= (NM_001282388.2); c.177G>A, p.Pro59= (NM_001282389.2); c.-19G>A (NM_001282390.2); c.396G>A (NM_000888.4).
Identifiers: ClinVar variation 2651464 (VCV002651464.25), dbSNP rs201700153, ClinGen allele CA1929517.

ClinVar aggregate classification (germline): Likely benign. Review status: criteria provided, single submitter (1 of 4 stars). 2 submissions from 2 submitters: Likely benign (1). 1 of the submissions does not count toward it. Last evaluated 2022-08-01.

Conditions:
ITGB6-related disorder. Also called: ITGB6-related condition.

Allele frequency attached by ClinVar (database versions not stated): 1000 Genomes Project 30x 0.00016.
gnomAD v4.1: 40 of 1,614,086 alleles (0.0025%); highest among the groups gnomAD compares: South Asian, 0.034%; 1 homozygote.

Submissions (2):

CeGaT Center for Human Genetics Tuebingen
Classification: Likely benign. Last evaluated: 2022-08-01. Review status: criteria provided, single submitter. Criteria: CeGaT Center For Human Genetics Tuebingen Variant Classification Criteria Version 2. Collection method: clinical testing. Allele origin: germline. Affected: yes. Observed: 1 variant allele.
Comment: ITGB6: BP4, BP7

PreventionGenetics, part of Exact Sciences
Classification: Likely benign for ITGB6-related condition. Last evaluated: 2019-06-25. Review status: no assertion criteria provided. Collection method: clinical testing. Allele origin: germline. Not counted in ClinVar's aggregate classification.
Comment: This variant is classified as likely benign based on ACMG/AMP sequence variant interpretation guidelines (Richards et al. 2015 PMID: 25741868, with internal and published modifications).